The following is an entry in ClinVar:

NM_021975.4(RELA):c.1618A>G (p.Met540Val)

Gene: RELA (RELA proto-oncogene, NF-kB subunit; minus strand). Cytogenetic location: 11q13.1.
Variant type: single nucleotide variant.
Coding change: c.1618A>G on transcript NM_021975.4 (MANE Select); coding-DNA position 1618, A replaced by G.
Protein change: p.Met540Val; replaces methionine 540 with valine.
Molecular consequence: missense variant.
Genome position (GRCh38, 1-based): chr11:65,654,416, T>C on the plus strand (A>G on the coding strand, the complement: RELA is on the minus strand). VCF-style: chr11-65654416-T-C. GRCh37 (hg19) VCF-style: chr11-65421887-T-C.
Other names: c.1609A>G, p.Met537Val (NM_001145138.2); c.1411A>G, p.Met471Val (NM_001243984.2); c.1309A>G, p.Met437Val (NM_001243985.2); c.1651A>G, p.Met551Val (NM_001404657.1); c.1591A>G, p.Met531Val (NM_001404658.1); c.1405A>G, p.Met469Val (NM_001404659.1); c.1300A>G, p.Met434Val (NM_001404660.1); c.1237A>G, p.Met413Val (NM_001404661.1); and 1 more; short protein forms M413V, M551V, M437V, M471V, M509V, M531V, M434V, M469V.
Identifiers: ClinVar variation 1900903 (VCV001900903.5), dbSNP rs375525158, ClinGen allele CA6106565.

ClinVar aggregate classification (germline): Uncertain significance (1 of 4 stars; one submission).

Allele frequency attached by ClinVar (database versions not stated): ExAC 0.00001; gnomAD 0.00001; gnomAD exomes 0.00001; TOPMed 0.00001; ESP Exome Variant Server 0.00008.
gnomAD v4.1: 11 of 1,612,064 alleles (0.00068%); highest among the groups gnomAD compares: Admixed American, 0.0017%; no homozygotes.

Submission:

Labcorp Genetics (formerly Invitae), Labcorp
Classification: Uncertain significance. Last evaluated: 2025-11-10. Review status: criteria provided, single submitter. Criteria: Invitae Variant Classification Sherloc (09022015). Collection method: clinical testing. Allele origin: germline.
Comment: This sequence change replaces methionine, which is neutral and non-polar, with valine, which is neutral and non-polar, at codon 540 of the RELA protein (p.Met540Val). This variant is present in population databases (rs375525158, gnomAD 0.002%). This variant has not been reported in the literature in individuals affected with RELA-related conditions. ClinVar contains an entry for this variant (Variation ID: 1900903). An algorithm developed to predict the effect of missense changes on protein structure and function outputs the following: PolyPhen-2: "Benign". The valine amino acid residue is found in multiple mammalian species, which suggests that this missense change does not adversely affect protein function. In summary, the available evidence is currently insufficient to determine the role of this variant in disease. Therefore, it has been classified as a Variant of Uncertain Significance.